The following is an entry in ClinVar:

ClinVar aggregate classification (germline): Pathogenic (1 of 4 stars; one submission).

Allele frequency attached by ClinVar (database versions not stated): TOPMed below 0.00001.

Submission:

Labcorp Genetics (formerly Invitae), Labcorp
Classification: Pathogenic. Last evaluated: 2021-06-25. Review status: criteria provided, single submitter. Criteria: Invitae Variant Classification Sherloc (09022015). Collection method: clinical testing. Allele origin: germline.
Comment: This variant is not present in population databases (ExAC no frequency). For these reasons, this variant has been classified as Pathogenic. This variant disrupts the C-terminus of the EYS protein. Other variant(s) that disrupt this region (p.Tyr3135*) have been determined to be pathogenic (PMID: 24652164, 22302105 18976725, 31074760, 29159838, 30337596). This suggests that variants that disrupt this region of the protein are likely to be causative of disease. This variant has not been reported in the literature in individuals with EYS-related conditions. This sequence change creates a premature translational stop signal (p.Leu2860*) in the EYS gene. While this is not anticipated to result in nonsense mediated decay, it is expected to disrupt the last 285 amino acid(s) of the EYS protein.

Literature cited by the submitters: PubMed 24652164; PubMed 22302105; PubMed 18976725; PubMed 31074760; PubMed 29159838; PubMed 30337596.

NM_001142800.2(EYS):c.8579T>A (p.Leu2860Ter)

Genes: EYS (EGF-like photoreceptor maintenance factor; minus strand), PHF3 (PHD finger protein 3; plus strand). Cytogenetic location: 6q12.
Variant type: single nucleotide variant.
Coding change: c.8579T>A on transcript NM_001142800.2 (MANE Select); coding-DNA position 8579, T replaced by A.
Protein change: p.Leu2860Ter; replaces leucine 2860 with a stop codon.
Molecular consequence: nonsense. On other transcripts: 3 prime UTR variant (5).
Genome position (GRCh38, 1-based): chr6:63,721,452, A>T on the plus strand (T>A on the coding strand, the complement: EYS is on the minus strand). VCF-style: chr6-63721452-A-T. GRCh37 (hg19) VCF-style: chr6-64431348-A-T.
Other names: c.*7744A>T (NM_001290259.2, NM_001370348.2, NM_001370349.2 and 2 more transcripts); c.8642T>A, p.Leu2881Ter (NM_001292009.2); short protein forms L2881*, L2860*.
Identifiers: ClinVar variation 1458302 (VCV001458302.6), dbSNP rs1768386253, ClinGen allele CA364384445.